The following is an entry in ClinVar:

NM_001928.4(CFD):c.448G>C (p.Val150Leu)

Gene: CFD (complement factor D; plus strand). Cytogenetic location: 19p13.3.
Variant type: single nucleotide variant.
Coding change: c.448G>C on transcript NM_001928.4 (MANE Select); coding-DNA position 448, G replaced by C.
Protein change: p.Val150Leu; replaces valine 150 with leucine.
Molecular consequence: missense variant.
Genome position (GRCh38, 1-based): chr19:861,789, G>C. VCF-style: chr19-861789-G-C. GRCh37 (hg19) VCF-style: chr19-861789-G-C.
Other names: c.469G>C, p.Val157Leu (NM_001317335.2); c.448G>C (NM_001928.2); short protein forms V150L, V157L.
Identifiers: ClinVar variation 1163719 (VCV001163719.7), dbSNP rs1005958537, ClinGen allele CA303953881.

ClinVar aggregate classification (germline): Uncertain significance. Review status: criteria provided, multiple submitters, no conflicts (2 of 4 stars). 3 submissions from 3 submitters: Uncertain significance (3). Last evaluated 2024-09-25.

Allele frequency attached by ClinVar (database versions not stated): gnomAD exomes 0.00001; gnomAD 0.00001; TOPMed 0.00002.

Submissions (3):

Ambry Genetics
Classification: Uncertain significance. Last evaluated: 2024-09-25. Review status: criteria provided, single submitter. Criteria: Ambry Variant Classification Scheme 2023. Collection method: clinical testing. Allele origin: germline.

Labcorp Genetics (formerly Invitae), Labcorp
Classification: Uncertain significance. Last evaluated: 2021-12-13. Review status: criteria provided, single submitter. Criteria: Invitae Variant Classification Sherloc (09022015). Collection method: clinical testing. Allele origin: germline.
Comment: This sequence change replaces valine, which is neutral and non-polar, with leucine, which is neutral and non-polar, at codon 150 of the CFD protein (p.Val150Leu). This variant is present in population databases (no rsID available, gnomAD 0.002%). This variant has not been reported in the literature in individuals affected with CFD-related conditions. ClinVar contains an entry for this variant (Variation ID: 1163719). Algorithms developed to predict the effect of missense changes on protein structure and function are either unavailable or do not agree on the potential impact of this missense change (SIFT: "Not Available"; PolyPhen-2: "Benign"; Align-GVGD: "Not Available"). In summary, the available evidence is currently insufficient to determine the role of this variant in disease. Therefore, it has been classified as a Variant of Uncertain Significance.

Mayo Clinic Laboratories, Mayo Clinic
Classification: Uncertain significance. Last evaluated: 2020-05-20. Review status: criteria provided, single submitter. Criteria: ACMG Guidelines, 2015. Collection method: clinical testing. Allele origin: germline. Observed: 1 variant allele.